The following is an entry in ClinVar:

ClinVar aggregate classification (germline): Uncertain significance. Review status: criteria provided, multiple submitters, no conflicts (2 of 4 stars). 3 submissions from 3 submitters: Uncertain significance (3). Last evaluated 2024-10-29.

Conditions:
Autosomal dominant osteopetrosis 1 (OPTA1). Also called: OSTEOPETROSIS, AUTOSOMAL DOMINANT, TYPE I. Identifiers: Orphanet 2783, MedGen C1843330, MONDO:0011877, OMIM 607634.
Exudative vitreoretinopathy 1 (EVR1). Also called: CRISWICK-SCHEPENS SYNDROME; FEVR, AUTOSOMAL DOMINANT; Familial exudative vitreoretinopathy, autosomal dominant. Identifiers: Orphanet 891, Orphanet 90050, MedGen C1851402, MONDO:0007589, OMIM 133780.
Osteoporosis. Identifiers: MedGen C0029456, MONDO:0005298, OMIM 166710, HP:0000939.
Polycystic liver disease 4 with or without kidney cysts. Identifiers: MedGen C4693479, MONDO:0044327, OMIM 617875.
Exudative vitreoretinopathy 4 (EVR4). Identifiers: Orphanet 891, MedGen C1866176, MONDO:0011151, OMIM 601813.
Osteoporosis with pseudoglioma (OPPG). Also called: osteoporosis-pseudoglioma syndrome. Identifiers: Orphanet 2788, MedGen C0432252, MONDO:0009820, OMIM 259770.
Bone mineral density quantitative trait locus 1 (BMND1). Identifiers: MedGen C1866079, OMIM 601884.
Worth disease. Also called: Autosomal dominant osteosclerosis, Worth type; ENDOSTEAL HYPEROSTOSIS, AUTOSOMAL DOMINANT; OSTEOSCLEROSIS, AUTOSOMAL DOMINANT. Identifiers: Orphanet 2790, MedGen C0432273, MONDO:0007764, OMIM 144750.

Allele frequency attached by ClinVar (database versions not stated): ExAC 0.00001; gnomAD 0.00001; gnomAD exomes 0.00001 and 0.00002; TOPMed 0.00001.
gnomAD v4.1: 29 of 1,608,910 alleles (0.0018%); highest among the groups gnomAD compares: South Asian, 0.013%; no homozygotes.

Submissions (3):

Labcorp Genetics (formerly Invitae), Labcorp
Classification: Uncertain significance. Last evaluated: 2024-10-29. Review status: criteria provided, single submitter. Criteria: Invitae Variant Classification Sherloc (09022015). Collection method: clinical testing. Allele origin: germline.
Comment: This sequence change replaces glycine, which is neutral and non-polar, with serine, which is neutral and polar, at codon 923 of the LRP5 protein (p.Gly923Ser). This variant is present in population databases (rs771724060, gnomAD 0.003%). This variant has not been reported in the literature in individuals affected with LRP5-related conditions. ClinVar contains an entry for this variant (Variation ID: 1473828). Invitae Evidence Modeling of protein sequence and biophysical properties (such as structural, functional, and spatial information, amino acid conservation, physicochemical variation, residue mobility, and thermodynamic stability) indicates that this missense variant is not expected to disrupt LRP5 protein function with a negative predictive value of 95%. In summary, the available evidence is currently insufficient to determine the role of this variant in disease. Therefore, it has been classified as a Variant of Uncertain Significance.

Department of Pathology and Laboratory Medicine, Sinai Health System
Classification: Uncertain significance for Exudative vitreoretinopathy 1; Worth disease; Osteoporosis with pseudoglioma; Exudative vitreoretinopathy 4; Autosomal dominant osteopetrosis 1; Polycystic liver disease 4 with or without kidney cysts. Last evaluated: 2023-01-31. Review status: criteria provided, single submitter. Criteria: ACMG Guidelines, 2015. Collection method: research. Allele origin: germline.

Fulgent Genetics
Classification: Uncertain significance for Exudative vitreoretinopathy 1; Worth disease; Osteoporosis; Osteoporosis with pseudoglioma; Exudative vitreoretinopathy 4; Bone mineral density quantitative trait locus 1; Autosomal dominant osteopetrosis 1; Polycystic liver disease 4 with or without kidney cysts. Last evaluated: 2021-12-13. Review status: criteria provided, single submitter. Criteria: ACMG Guidelines, 2015. Collection method: clinical testing. Allele origin: unknown.

NM_002335.4(LRP5):c.2767G>A (p.Gly923Ser)

Gene: LRP5 (LDL receptor related protein 5; plus strand). Cytogenetic location: 11q13.2.
Variant type: single nucleotide variant.
Coding change: c.2767G>A on transcript NM_002335.4 (MANE Select); coding-DNA position 2767, G replaced by A.
Protein change: p.Gly923Ser; replaces glycine 923 with serine.
Molecular consequence: missense variant.
Genome position (GRCh38, 1-based): chr11:68,413,952, G>A. VCF-style: chr11-68413952-G-A. GRCh37 (hg19) VCF-style: chr11-68181420-G-A.
Other names: c.1024G>A, p.Gly342Ser (NM_001291902.2); short protein forms G923S, G342S.
Identifiers: ClinVar variation 1473828 (VCV001473828.8), dbSNP rs771724060, ClinGen allele CA6149729.